The following is an entry in ClinVar:

ClinVar aggregate classification (germline): Uncertain significance. Review status: criteria provided, multiple submitters, no conflicts (2 of 4 stars). 2 submissions from 2 submitters: Uncertain significance (2). Last evaluated 2024-12-12.

Conditions:
Familial adenomatous polyposis 1 (FAP1). Also called: FAMILIAL ADENOMATOUS POLYPOSIS 1, ATTENUATED; POLYPOSIS, ADENOMATOUS INTESTINAL. Identifiers: MedGen C2713442, MONDO:0021056, OMIM 175100. Disease mechanism: loss of function.
Hereditary cancer-predisposing syndrome. Also called: Neoplastic Syndromes, Hereditary; Tumor predisposition; Hereditary Cancer Syndrome; Hereditary neoplastic syndrome. Identifiers: Orphanet 140162, MedGen C0027672, MeSH D009386, MONDO:0015356.

Submissions (2):

Ambry Genetics
Classification: Uncertain significance for Hereditary cancer-predisposing syndrome. Last evaluated: 2024-12-12. Review status: criteria provided, single submitter. Criteria: Ambry Variant Classification Scheme 2023. Collection method: clinical testing. Allele origin: germline.
Comment: The p.K2052Q variant (also known as c.6154A>C), located in coding exon 15 of the APC gene, results from an A to C substitution at nucleotide position 6154. The lysine at codon 2052 is replaced by glutamine, an amino acid with similar properties. This amino acid position is highly conserved in available vertebrate species. In addition, in silico predictors for this gene do not accurately predict pathogenicity. Missense alterations in APC are not a common cause of disease (Spier I et al. Genet Med. 2024 Feb;26(2):100992). Based on the available evidence, the clinical significance of this variant remains unclear.

Labcorp Genetics (formerly Invitae), Labcorp
Classification: Uncertain significance for Familial adenomatous polyposis 1. Last evaluated: 2021-06-27. Review status: criteria provided, single submitter. Criteria: Invitae Variant Classification Sherloc (09022015). Collection method: clinical testing. Allele origin: germline.
Comment: This sequence change replaces lysine with glutamine at codon 2052 of the APC protein (p.Lys2052Gln). The lysine residue is highly conserved and there is a small physicochemical difference between lysine and glutamine. This variant is not present in population databases (ExAC no frequency). In summary, the available evidence is currently insufficient to determine the role of this variant in disease. Therefore, it has been classified as a Variant of Uncertain Significance. Algorithms developed to predict the effect of missense changes on protein structure and function are either unavailable or do not agree on the potential impact of this missense change (SIFT: "Tolerated"; PolyPhen-2: "Probably Damaging"; Align-GVGD: "Class C0"). This variant has not been reported in the literature in individuals with APC-related conditions. ClinVar contains an entry for this variant (Variation ID: 485153).

NM_000038.6(APC):c.6154A>C (p.Lys2052Gln)

Gene: APC (APC regulator of Wnt signaling pathway; plus strand). Cytogenetic location: 5q22.2.
Variant type: single nucleotide variant.
Coding change: c.6154A>C on transcript NM_000038.6 (MANE Select); coding-DNA position 6154, A replaced by C.
Protein change: p.Lys2052Gln; replaces lysine 2052 with glutamine.
Molecular consequence: missense variant.
Genome position (GRCh38, 1-based): chr5:112,841,748, A>C. VCF-style: chr5-112841748-A-C. GRCh37 (hg19) VCF-style: chr5-112177445-A-C.
Other names: c.6154A>C, p.Lys2052Gln (NM_001127510.3, NM_001354895.2); c.6100A>C, p.Lys2034Gln (NM_001127511.3); c.6208A>C, p.Lys2070Gln (NM_001354896.2); c.6184A>C, p.Lys2062Gln (NM_001354897.2); c.6079A>C, p.Lys2027Gln (NM_001354898.2); c.6070A>C, p.Lys2024Gln (NM_001354899.2); c.6031A>C, p.Lys2011Gln (NM_001354900.2); c.5977A>C, p.Lys1993Gln (NM_001354901.2); and 5 more; short protein forms K2034Q, K2052Q, K1769Q, K1892Q, K1993Q, K2011Q, K2062Q, K2024Q.
Identifiers: ClinVar variation 485153 (VCV000485153.14), dbSNP rs1554087258, ClinGen allele CA16034806.